The following is an entry in ClinVar:

ClinVar aggregate classification (germline): Uncertain significance (1 of 4 stars; one submission).

Conditions:
Amyotrophic lateral sclerosis type 21. Also called: MYOPATHY, DISTAL, 2; VOCAL CORD AND PHARYNGEAL DYSFUNCTION WITH DISTAL MYOPATHY. Identifiers: Orphanet 600, Orphanet 803, MedGen C3807521, MONDO:0011632, OMIM 606070.

Submission:

Labcorp Genetics (formerly Invitae), Labcorp
Classification: Uncertain significance for Amyotrophic lateral sclerosis type 21. Last evaluated: 2026-01-17. Review status: criteria provided, single submitter. Criteria: Invitae Variant Classification Sherloc (09022015). Collection method: clinical testing. Allele origin: germline.
Comment: This sequence change falls in intron 14 of the MATR3 gene. It does not directly change the encoded amino acid sequence of the MATR3 protein. This variant is not present in population databases (gnomAD no frequency). This variant has not been reported in the literature in individuals affected with MATR3-related conditions. Algorithms developed to predict the effect of sequence changes on RNA splicing suggest that this variant may create or strengthen a splice site. In summary, the available evidence is currently insufficient to determine the role of this variant in disease. Therefore, it has been classified as a Variant of Uncertain Significance.

NM_018834.6(MATR3):c.1779-5T>A

Genes: MATR3 (matrin 3; plus strand), LOC126807526 (CDK7 strongly-dependent group 2 enhancer GRCh37_chr5:138657767-138658966; plus strand). Cytogenetic location: 5q31.2.
Variant type: single nucleotide variant.
Coding change: c.1779-5T>A on transcript NM_018834.6 (MANE Select); 5 bases into the intron before coding-DNA position 1779, T replaced by A.
Molecular consequence: intron variant.
Genome position (GRCh38, 1-based): chr5:139,322,593, T>A. VCF-style: chr5-139322593-T-A. GRCh37 (hg19) VCF-style: chr5-138658282-T-A.
Other names: c.1779-5T>A (NM_001400451.1, NM_001400450.1, NM_001400441.1 and 16 more transcripts); c.918-5T>A (NM_001400459.1); c.765-5T>A (NM_001400463.1, NM_001400460.1, NM_001282278.2 and 5 more transcripts); c.879-5T>A (NM_001400461.1); c.915-5T>A (NM_001194956.2).
Identifiers: ClinVar variation 4779109 (VCV004779109.1).
Genomic context (GRCh38, chr5:139,322,593, plus strand): 5'-GTGAGTATATTCAACTTTACTTTTTCAGACAACAAATTAATTGTGGTGTGTCCTTTTGAT[T>A]TCAGAAAAAGATCTTACTCTCCAGATGGCAAAGAATCTCCAAGTGATAAGAAATCCAAAA-3'